The following is an entry in ClinVar:

ClinVar aggregate classification (germline): Pathogenic (1 of 4 stars; one submission).

Conditions:
Immunodeficiency-centromeric instability-facial anomalies syndrome 2 (ICF2). Identifiers: Orphanet 2268, MedGen C3279748, MONDO:0013553, OMIM 614069.

Submission:

Labcorp Genetics (formerly Invitae), Labcorp
Classification: Pathogenic for Immunodeficiency-centromeric instability-facial anomalies syndrome 2. Last evaluated: 2024-02-06. Review status: criteria provided, single submitter. Criteria: Invitae Variant Classification Sherloc (09022015). Collection method: clinical testing. Allele origin: germline.
Comment: This sequence change creates a premature translational stop signal (p.Gln498*) in the ZBTB24 gene. While this is not anticipated to result in nonsense mediated decay, it is expected to disrupt the last 200 amino acid(s) of the ZBTB24 protein. This variant is not present in population databases (gnomAD no frequency). This variant has not been reported in the literature in individuals affected with ZBTB24-related conditions. This variant disrupts a region of the ZBTB24 protein in which other variant(s) (p.Gln498Valfs*15) have been determined to be pathogenic (PMID: 29023266, 30511102, 31130284). This suggests that this is a clinically significant region of the protein, and that variants that disrupt it are likely to be disease-causing. For these reasons, this variant has been classified as Pathogenic.

Literature cited by the submitters: PubMed 29023266; PubMed 30511102; PubMed 31130284.

NM_014797.3(ZBTB24):c.1492C>T (p.Gln498Ter)

Gene: ZBTB24 (zinc finger and BTB domain containing 24; minus strand). Cytogenetic location: 6q21.
Variant type: single nucleotide variant.
Coding change: c.1492C>T on transcript NM_014797.3 (MANE Select); coding-DNA position 1492, C replaced by T.
Protein change: p.Gln498Ter; replaces glutamine 498 with a stop codon.
Molecular consequence: nonsense.
Genome position (GRCh38, 1-based): chr6:109,466,453, G>A on the plus strand (C>T on the coding strand, the complement: ZBTB24 is on the minus strand). VCF-style: chr6-109466453-G-A. GRCh37 (hg19) VCF-style: chr6-109787656-G-A.
Other names: short protein forms Q498*.
Identifiers: ClinVar variation 3678323 (VCV003678323.2).